The following is an entry in ClinVar:

NM_012469.4(PRPF6):c.1376A>G (p.Asn459Ser)

Gene: PRPF6 (pre-mRNA processing factor 6; plus strand). Cytogenetic location: 20q13.33.
Variant type: single nucleotide variant.
Coding change: c.1376A>G on transcript NM_012469.4 (MANE Select); coding-DNA position 1376, A replaced by G.
Protein change: p.Asn459Ser; replaces asparagine 459 with serine.
Molecular consequence: missense variant.
Genome position (GRCh38, 1-based): chr20:64,011,355, A>G. VCF-style: chr20-64011355-A-G. GRCh37 (hg19) VCF-style: chr20-62642708-A-G.
Other names: short protein forms N459S.
Identifiers: ClinVar variation 3033889 (VCV003033889.2), dbSNP rs2517635340, ClinGen allele CA409726625.

ClinVar aggregate classification (germline): Uncertain significance (0 of 4 stars; one submission).

Conditions:
PRPF6-related disorder. Also called: PRPF6-related condition.

Submission:

PreventionGenetics, part of Exact Sciences
Classification: Uncertain significance for PRPF6-related condition. Last evaluated: 2023-11-22. Review status: no assertion criteria provided. Collection method: clinical testing. Allele origin: germline.
Comment: The PRPF6 c.1376A>G variant is predicted to result in the amino acid substitution p.Asn459Ser. To our knowledge, this variant has not been reported in the literature or in a large population database, indicating this variant is rare. At this time, the clinical significance of this variant is uncertain due to the absence of conclusive functional and genetic evidence.